The following is an entry in ClinVar:

ClinVar aggregate classification (germline): Benign (1 of 4 stars; one submission).

Conditions:
Familial adenomatous polyposis 1 (FAP1). Also called: FAMILIAL ADENOMATOUS POLYPOSIS 1, ATTENUATED; POLYPOSIS, ADENOMATOUS INTESTINAL. Identifiers: MedGen C2713442, MONDO:0021056, OMIM 175100. Disease mechanism: loss of function.

Submission:

Myriad Genetics, Inc.
Classification: Benign for Familial adenomatous polyposis 1. Last evaluated: 2024-04-04. Review status: criteria provided, single submitter. Criteria: Myriad Autosomal Dominant, Autosomal Recessive and X-Linked Classification Criteria (2023). Collection method: clinical testing. Allele origin: unknown.
Comment: This variant is considered benign. This variant is a silent/synonymous amino acid change and it is not expected to impact splicing.

NM_000038.6(APC):c.6498A>T (p.Arg2166=)

Gene: APC (APC regulator of Wnt signaling pathway; plus strand). Cytogenetic location: 5q22.2.
Variant type: single nucleotide variant.
Coding change: c.6498A>T on transcript NM_000038.6 (MANE Select); coding-DNA position 6498, A replaced by T.
Protein change: p.Arg2166=; no amino-acid change (arginine 2166 retained).
Molecular consequence: synonymous variant. On other transcripts: non-coding transcript variant (2).
Genome position (GRCh38, 1-based): chr5:112,842,092, A>T. VCF-style: chr5-112842092-A-T. GRCh37 (hg19) VCF-style: chr5-112177789-A-T.
Other names: c.6498A>T, p.Arg2166= (NM_001127510.3, NM_001354895.2, NM_001407450.1); c.6444A>T, p.Arg2148= (NM_001127511.3); c.6552A>T, p.Arg2184= (NM_001354896.2, NM_001407447.1, NM_001407448.1 and 1 more transcripts); c.6528A>T, p.Arg2176= (NM_001354897.2); c.6423A>T, p.Arg2141= (NM_001354898.2); c.6414A>T, p.Arg2138= (NM_001354899.2); c.6375A>T, p.Arg2125= (NM_001354900.2); c.6321A>T, p.Arg2107= (NM_001354901.2, NM_001407453.1); and 11 more.
Identifiers: ClinVar variation 3254082 (VCV003254082.1), dbSNP rs2149966269.